The following is an entry in ClinVar:

ClinVar aggregate classification (germline): Uncertain significance. Review status: criteria provided, multiple submitters, no conflicts (2 of 4 stars). 2 submissions from 2 submitters: Uncertain significance (2). Last evaluated 2024-06-11.

Submissions (2):

Blueprint Genetics
Classification: Uncertain significance. Last evaluated: 2024-06-11. Review status: criteria provided, single submitter. Criteria: ACMG Guidelines, 2015. Collection method: clinical testing. Allele origin: germline.

Labcorp Genetics (formerly Invitae), Labcorp
Classification: Uncertain significance. Last evaluated: 2019-12-17. Review status: criteria provided, single submitter. Criteria: Invitae Variant Classification Sherloc (09022015). Collection method: clinical testing. Allele origin: germline.
Comment: This variant has not been reported in the literature in individuals with PRPF6-related conditions. This variant is not present in population databases (ExAC no frequency). This sequence change replaces glycine with valine at codon 194 of the PRPF6 protein (p.Gly194Val). The glycine residue is highly conserved and there is a moderate physicochemical difference between glycine and valine. Algorithms developed to predict the effect of missense changes on protein structure and function are either unavailable or do not agree on the potential impact of this missense change (SIFT: "Deleterious"; PolyPhen-2: "Benign"; Align-GVGD: "Class C0"). In summary, the available evidence is currently insufficient to determine the role of this variant in disease. Therefore, it has been classified as a Variant of Uncertain Significance.

NM_012469.4(PRPF6):c.581G>T (p.Gly194Val)

Gene: PRPF6 (pre-mRNA processing factor 6; plus strand). Cytogenetic location: 20q13.33.
Variant type: single nucleotide variant.
Coding change: c.581G>T on transcript NM_012469.4 (MANE Select); coding-DNA position 581, G replaced by T.
Protein change: p.Gly194Val; replaces glycine 194 with valine.
Molecular consequence: missense variant.
Genome position (GRCh38, 1-based): chr20:63,995,058, G>T. VCF-style: chr20-63995058-G-T. GRCh37 (hg19) VCF-style: chr20-62626411-G-T.
Other names: short protein forms G194V.
Identifiers: ClinVar variation 841406 (VCV000841406.11), dbSNP rs2059135299, ClinGen allele CA409715786.